The following is an entry in ClinVar:

ClinVar aggregate classification (germline): Uncertain significance (1 of 4 stars; one submission).

Conditions:
Hereditary cancer-predisposing syndrome. Also called: Neoplastic Syndromes, Hereditary; Tumor predisposition; Hereditary neoplastic syndrome; Hereditary Cancer Syndrome. Identifiers: Orphanet 140162, MedGen C0027672, MeSH D009386, MONDO:0015356.
Cardiovascular phenotype. Identifiers: MedGen CN230736.

Submission:

Ambry Genetics
Classification: Uncertain significance for Cardiovascular phenotype; Hereditary cancer-predisposing syndrome. Last evaluated: 2023-04-07. Review status: criteria provided, single submitter. Criteria: Ambry Variant Classification Scheme 2023. Collection method: clinical testing. Allele origin: germline.
Comment: The p.F157L variant (also known as c.469T>C), located in coding exon 5 of the LZTR1 gene, results from a T to C substitution at nucleotide position 469. The phenylalanine at codon 157 is replaced by leucine, an amino acid with highly similar properties. This amino acid position is conserved. In addition, the in silico prediction for this alteration is inconclusive. Since supporting evidence is limited at this time, the clinical significance of this alteration remains unclear.

NM_006767.4(LZTR1):c.469T>C (p.Phe157Leu)

Gene: LZTR1 (leucine zipper like post translational regulator 1; plus strand). Cytogenetic location: 22q11.21.
Variant type: single nucleotide variant.
Coding change: c.469T>C on transcript NM_006767.4 (MANE Select); coding-DNA position 469, T replaced by C.
Protein change: p.Phe157Leu; replaces phenylalanine 157 with leucine.
Molecular consequence: missense variant.
Genome position (GRCh38, 1-based): chr22:20,988,078, T>C. VCF-style: chr22-20988078-T-C. GRCh37 (hg19) VCF-style: chr22-21342367-T-C.
Other names: short protein forms F157L.
Identifiers: ClinVar variation 3238295 (VCV003238295.1), dbSNP rs2518613321.